The following is an entry in ClinVar:

NM_005802.5(TOPORS):c.*9A>G

Gene: TOPORS (TOP1 binding arginine/serine rich protein, E3 ubiquitin ligase; minus strand). Cytogenetic location: 9p21.1.
Variant type: single nucleotide variant.
Coding change: c.*9A>G on transcript NM_005802.5 (MANE Select); 9 bases downstream of the stop codon, A replaced by G.
Molecular consequence: 3 prime UTR variant.
Genome position (GRCh38, 1-based): chr9:32,541,378, T>C on the plus strand (A>G on the coding strand, the complement: TOPORS is on the minus strand). VCF-style: chr9-32541378-T-C. GRCh37 (hg19) VCF-style: chr9-32541376-T-C.
Other names: c.*9A>G (NM_001195622.2).
Identifiers: ClinVar variation 366558 (VCV000366558.5), dbSNP rs201576667, ClinGen allele CA5020246.

ClinVar aggregate classification (germline): Benign (1 of 4 stars; one submission).

Conditions:
Retinitis pigmentosa (RP). Identifiers: Orphanet 791, MedGen C0035334, MeSH D012174, MONDO:0019200, OMIM 268000. Inheritance: Autosomal dominant, autosomal recessive and X linked inheritance.

Allele frequency attached by ClinVar (database versions not stated): gnomAD 0.00001 and 0.00031; TOPMed 0.00005; gnomAD exomes 0.00063 and 0.00137; ExAC 0.00164; 1000 Genomes Project 30x 0.00312; 1000 Genomes Project 0.00319.
gnomAD v4.1: 962 of 1,613,912 alleles (0.06%); highest among the groups gnomAD compares: South Asian, 0.98%; 19 homozygotes.

Submission:

Illumina Laboratory Services, Illumina
Classification: Benign for Retinitis pigmentosa. Last evaluated: 2018-01-12. Review status: criteria provided, single submitter. Criteria: ICSL Variant Classification Criteria 13 December 2019. Collection method: clinical testing. Allele origin: germline.
Comment: This variant was observed in the ICSL laboratory as part of a predisposition screen in an ostensibly healthy population. It had not been previously curated by ICSL or reported in the Human Gene Mutation Database (HGMD: prior to June 1st, 2018), and was therefore a candidate for classification through an automated scoring system. Utilizing variant allele frequency, disease prevalence and penetrance estimates, and inheritance mode, an automated score was calculated to assess if this variant is too frequent to cause the disease. Based on the score and internal cut-off values, a variant classified as benign is not then subjected to further curation. The score for this variant resulted in a classification of benign for this disease.